The following is an entry in ClinVar:

NM_000179.3(MSH6):c.332A>G (p.Tyr111Cys)

Gene: MSH6 (mutS homolog 6; plus strand). Cytogenetic location: 2p16.3.
Variant type: single nucleotide variant.
Coding change: c.332A>G on transcript NM_000179.3 (MANE Select); coding-DNA position 332, A replaced by G.
Protein change: p.Tyr111Cys; replaces tyrosine 111 with cysteine.
Molecular consequence: missense variant. On other transcripts: 5 prime UTR variant (2), intron variant (1).
Genome position (GRCh38, 1-based): chr2:47,790,998, A>G. VCF-style: chr2-47790998-A-G. GRCh37 (hg19) VCF-style: chr2-48018137-A-G.
Other names: c.-405A>G (NM_001281493.2); c.-571A>G (NM_001281494.2); c.237+7528A>G (NM_001281492.2); short protein forms Y111C.
Identifiers: ClinVar variation 837444 (VCV000837444.11), dbSNP rs1668690263, ClinGen allele CA346736950.

ClinVar aggregate classification (germline): Uncertain significance. Review status: criteria provided, multiple submitters, no conflicts (2 of 4 stars). 2 submissions from 2 submitters: Uncertain significance (2). Last evaluated 2023-06-30.

Conditions:
Endometrial carcinoma. Also called: Endometrial carcinoma, somatic. Identifiers: MedGen C0476089, MONDO:0002447, OMIM 608089, HP:0012114.
Hereditary nonpolyposis colorectal neoplasms. Identifiers: MedGen C0009405, MeSH D003123.

Submissions (2):

Baylor Genetics
Classification: Uncertain significance for Endometrial carcinoma. Last evaluated: 2023-06-30. Review status: criteria provided, single submitter. Criteria: ACMG Guidelines, 2015. Collection method: clinical testing. Allele origin: unknown.

Labcorp Genetics (formerly Invitae), Labcorp
Classification: Uncertain significance for Hereditary nonpolyposis colorectal neoplasms. Last evaluated: 2021-06-17. Review status: criteria provided, single submitter. Criteria: Invitae Variant Classification Sherloc (09022015). Collection method: clinical testing. Allele origin: germline.
Comment: This sequence change replaces tyrosine with cysteine at codon 111 of the MSH6 protein (p.Tyr111Cys). The tyrosine residue is moderately conserved and there is a large physicochemical difference between tyrosine and cysteine. In summary, the available evidence is currently insufficient to determine the role of this variant in disease. Therefore, it has been classified as a Variant of Uncertain Significance. Algorithms developed to predict the effect of missense changes on protein structure and function are either unavailable or do not agree on the potential impact of this missense change (SIFT: "Tolerated"; PolyPhen-2: "Probably Damaging"; Align-GVGD: "Class C0"). This variant has not been reported in the literature in individuals with MSH6-related conditions. This variant is not present in population databases (ExAC no frequency).